The following is an entry in ClinVar:

ClinVar aggregate classification (germline): Uncertain significance (1 of 4 stars; one submission).

Submission:

Labcorp Genetics (formerly Invitae), Labcorp
Classification: Uncertain significance. Last evaluated: 2025-10-22. Review status: criteria provided, single submitter. Criteria: Invitae Variant Classification Sherloc (09022015). Collection method: clinical testing. Allele origin: germline.
Comment: This variant, c.433_435del, results in the deletion of 1 amino acid(s) of the JAK2 protein (p.Leu145del), but otherwise preserves the integrity of the reading frame. This variant is not present in population databases (gnomAD no frequency). This variant has not been reported in the literature in individuals affected with JAK2-related conditions. Experimental studies and prediction algorithms are not available or were not evaluated, and the functional significance of this variant is currently unknown. In summary, the available evidence is currently insufficient to determine the role of this variant in disease. Therefore, it has been classified as a Variant of Uncertain Significance.

NM_004972.4(JAK2):c.430CTT[1] (p.Leu145del)

Genes: INSL6 (insulin like 6; minus strand), JAK2 (Janus kinase 2; plus strand). Cytogenetic location: 9p24.1.
Variant type: Microsatellite.
Coding change: c.430CTT[1] on transcript NM_004972.4 (MANE Select); one copy of the 3-base unit CTT starting at c.430; the reference has two copies in a row; one copy, 3 bases deleted.
Protein change: p.Leu145del; deletes leucine 145.
Molecular consequence: inframe deletion. On other transcripts: 5 prime UTR variant (3), non-coding transcript variant (2).
Genome position (GRCh38, 1-based): chr9:5,044,485-5,044,487, CTT deleted; deleting any 3 consecutive bases within chr9:5,044,481-5,044,487 gives the same sequence; the position shown is the placement nearest the transcript's 3' end. VCF-style (leftmost placement, unchanged base first): chr9-5044480-CTCT-C. GRCh37 (hg19) VCF-style: chr9-5044480-CTCT-C.
Other names: c.430CTT[1], p.Leu145del (NM_001322194.2, NM_001322195.2, NM_001322196.2); c.-691CTT[1] (NM_001322198.2, NM_001322199.2); c.-18CTT[1] (NM_001322204.2); short protein forms L145del.
Identifiers: ClinVar variation 4692661 (VCV004692661.1).